The following is an entry in ClinVar:

NM_001297.5(CNGB1):c.2881_2882delinsAT (p.Ala961Ile)

Gene: CNGB1 (cyclic nucleotide gated channel subunit beta 1; minus strand). Cytogenetic location: 16q21.
Variant type: Indel.
Coding change: c.2881_2882delinsAT on transcript NM_001297.5 (MANE Select); coding-DNA positions 2881 to 2882, GC replaced by AT.
Protein change: p.Ala961Ile; replaces alanine 961 with isoleucine.
Molecular consequence: missense variant.
Genome position (GRCh38, 1-based): chr16:57,901,538-57,901,539, GC replaced by AT on the plus strand (GC replaced by AT on the coding strand, the reverse complement: CNGB1 is on the minus strand). VCF-style: chr16-57901538-GC-AT. GRCh37 (hg19) VCF-style: chr16-57935442-GC-AT.
Other names: c.2863_2864delinsAT, p.Ala955Ile (NM_001286130.2); short protein forms A955I, A961I.
Identifiers: ClinVar variation 1477225 (VCV001477225.6), dbSNP rs2149357427, ClinGen allele CA2573152488.

ClinVar aggregate classification (germline): Uncertain significance (1 of 4 stars; one submission).

Submission:

Labcorp Genetics (formerly Invitae), Labcorp
Classification: Uncertain significance. Last evaluated: 2021-03-28. Review status: criteria provided, single submitter. Criteria: Invitae Variant Classification Sherloc (09022015). Collection method: clinical testing. Allele origin: germline.
Comment: The frequency data for this variant in the population databases is not available, as this variant may be reported as separate entries in the ExAC database. This sequence change replaces alanine with isoleucine at codon 961 of the CNGB1 protein (p.Ala961Ile). The alanine residue is moderately conserved and there is a moderate physicochemical difference between alanine and isoleucine. In summary, the available evidence is currently insufficient to determine the role of this variant in disease. Therefore, it has been classified as a Variant of Uncertain Significance. Algorithms developed to predict the effect of missense changes on protein structure and function are either unavailable or do not agree on the potential impact of this missense change (SIFT: "Not Available"; PolyPhen-2: "Benign"; Align-GVGD: "Not Available"). This variant has not been reported in the literature in individuals with CNGB1-related conditions.